The following is an entry in ClinVar:

NM_004168.4(SDHA):c.466del (p.Tyr156fs)

Gene: SDHA (succinate dehydrogenase complex flavoprotein subunit A; plus strand). Cytogenetic location: 5p15.33.
Variant type: Deletion.
Coding change: c.466del on transcript NM_004168.4 (MANE Select); coding-DNA position 466, one base deleted (T; older notation c.466delT).
Protein change: p.Tyr156fs; shifts the reading frame from tyrosine 156.
Molecular consequence: frameshift variant.
Genome position (GRCh38, 1-based): chr5:225,892, T deleted; the last of 2 consecutive T bases (chr5:225,891-225,892); deleting either gives the same sequence. VCF-style (leftmost placement, unchanged base first): chr5-225890-AT-A. GRCh37 (hg19) VCF-style: chr5-226005-AT-A.
Other names: c.322del, p.Tyr108fs (NM_001294332.2); c.466del, p.Tyr156fs (NM_001330758.2); short protein forms Y108fs, Y156fs.
Identifiers: ClinVar variation 2452806 (VCV002452806.5), dbSNP rs1190622143, ClinGen allele CA808822816.

ClinVar aggregate classification (germline): Pathogenic. Review status: criteria provided, multiple submitters, no conflicts (2 of 4 stars). 2 submissions from 2 submitters: Pathogenic (2). Last evaluated 2023-08-05.

Conditions:
Mitochondrial complex II deficiency, nuclear type 1. Also called: SUCCINATE CoQ REDUCTASE DEFICIENCY. Identifiers: Orphanet 3208, MedGen C5700310, MONDO:0100294, OMIM 252011.
Pheochromocytoma/paraganglioma syndrome 5. Also called: Paragangliomas 5; SDHA-Related Hereditary Paraganglioma-Pheochromocytoma Syndrome. Identifiers: Orphanet 29072, MedGen C3279992, MONDO:0013602, OMIM 614165.
Hereditary cancer-predisposing syndrome. Also called: Neoplastic Syndromes, Hereditary; Tumor predisposition; Hereditary Cancer Syndrome; Hereditary neoplastic syndrome. Identifiers: Orphanet 140162, MedGen C0027672, MeSH D009386, MONDO:0015356.

Submissions (2):

Labcorp Genetics (formerly Invitae), Labcorp
Classification: Pathogenic for Pheochromocytoma/paraganglioma syndrome 5; Mitochondrial complex II deficiency, nuclear type 1. Last evaluated: 2023-08-05. Review status: criteria provided, single submitter. Criteria: Invitae Variant Classification Sherloc (09022015). Collection method: clinical testing. Allele origin: germline.
Comment: This sequence change creates a premature translational stop signal (p.Tyr156Metfs*70) in the SDHA gene. It is expected to result in an absent or disrupted protein product. Loss-of-function variants in SDHA are known to be pathogenic (PMID: 22974104, 24781757). This variant is not present in population databases (gnomAD no frequency). This variant has not been reported in the literature in individuals affected with SDHA-related conditions. ClinVar contains an entry for this variant (Variation ID: 2452806). For these reasons, this variant has been classified as Pathogenic.

Ambry Genetics
Classification: Pathogenic for Hereditary cancer-predisposing syndrome. Last evaluated: 2023-03-07. Review status: criteria provided, single submitter. Criteria: Ambry Variant Classification Scheme 2023. Collection method: clinical testing. Allele origin: germline.
Comment: The c.466delT pathogenic mutation, located in coding exon 5 of the SDHA gene, results from a deletion of one nucleotide at nucleotide position 466, causing a translational frameshift with a predicted alternate stop codon (p.Y156Mfs*70). This variant is considered to be rare based on population cohorts in the Genome Aggregation Database (gnomAD). This alteration is expected to result in loss of function by premature protein truncation or nonsense-mediated mRNA decay. As such, this alteration is interpreted as a disease-causing mutation.

Literature cited by the submitters: PubMed 22974104 (cited by Labcorp Genetics (formerly Invitae), Labcorp); PubMed 24781757 (cited by Labcorp Genetics (formerly Invitae), Labcorp).